The following is an entry in ClinVar:

NM_006514.4(SCN10A):c.1089G>C (p.Gln363His)

Gene: SCN10A (sodium voltage-gated channel alpha subunit 10; minus strand). Cytogenetic location: 3p22.2.
Variant type: single nucleotide variant.
Coding change: c.1089G>C on transcript NM_006514.4 (MANE Select); coding-DNA position 1089, G replaced by C.
Protein change: p.Gln363His; replaces glutamine 363 with histidine.
Molecular consequence: missense variant.
Genome position (GRCh38, 1-based): chr3:38,757,021, C>G on the plus strand (G>C on the coding strand, the complement: SCN10A is on the minus strand). VCF-style: chr3-38757021-C-G. GRCh37 (hg19) VCF-style: chr3-38798512-C-G.
Other names: c.1089G>C, p.Gln363His (NM_001293306.2, NM_001293307.2); short protein forms Q363H.
Identifiers: ClinVar variation 4614888 (VCV004614888.1).
Genomic context (GRCh38, chr3:38,757,021, plus strand): 5'-ATGCAGCTGACCCACCAGCCTCCAACCAAGTCTGCGTGGGGGAATGCAGCTCAGTACCTG[C>G]TGGTAGAGGCGTTCCCAGGAATCCTGTGTCATGAGGCGGAACAGTGAGAGGAAAGCCCAA-3'
Protein context (NP_006505.4, residues 353-373): MTQDSWERLY[Gln363His]QTLRTSGKIY

ClinVar aggregate classification (germline): Uncertain significance (1 of 4 stars; one submission).

Conditions:
Cardiovascular phenotype. Identifiers: MedGen CN230736.

gnomAD v4.1: 1 of 1,609,128 alleles (0.000062%); highest among the groups gnomAD compares: Non-Finnish European, 0.000085%; no homozygotes.

Submission:

Ambry Genetics
Classification: Uncertain significance for Cardiovascular phenotype. Last evaluated: 2025-11-04. Review status: criteria provided, single submitter. Criteria: Ambry Variant Classification Scheme 2023. Collection method: clinical testing. Allele origin: germline.
Comment: The p.Q363H variant (also known as c.1089G>C), located in coding exon 8 of the SCN10A gene, results from a G to C substitution at nucleotide position 1089. The glutamine at codon 363 is replaced by histidine, an amino acid with highly similar properties. This amino acid position is conserved. In addition, this alteration is predicted to be deleterious by in silico analysis. Based on the available evidence, the clinical significance of this variant remains unclear.